The following is an entry in ClinVar:

NM_007294.4(BRCA1):c.4352A>C (p.Glu1451Ala)

Gene: BRCA1 (BRCA1 DNA repair associated; minus strand). Cytogenetic location: 17q21.31.
Variant type: single nucleotide variant.
Coding change: c.4352A>C on transcript NM_007294.4 (MANE Select); coding-DNA position 4352, A replaced by C.
Protein change: p.Glu1451Ala; replaces glutamic acid 1451 with alanine.
Molecular consequence: missense variant.
Genome position (GRCh38, 1-based): chr17:43,082,409, T>G on the plus strand (A>C on the coding strand, the complement: BRCA1 is on the minus strand). VCF-style: chr17-43082409-T-G. GRCh37 (hg19) VCF-style: chr17-41234426-T-G.
Other names: c.4211A>C, p.Glu1404Ala (NM_001407726.1, NM_001407727.1, NM_001407728.1 and 23 more transcripts); c.4208A>C, p.Glu1403Ala (NM_001407740.1, NM_001407741.1, NM_001407742.1 and 23 more transcripts); c.4226A>C, p.Glu1409Ala (NM_001407673.1, NM_001407674.1, NM_001407672.1 and 12 more transcripts); c.4229A>C, p.Glu1410Ala (NM_001407677.1, NM_001407648.1, NM_001407664.1 and 13 more transcripts); c.4139A>C, p.Glu1380Ala (NM_001407571.1, NM_001407853.1, NM_001407894.1 and 12 more transcripts); c.4352A>C, p.Glu1451Ala (NM_001407581.1, NM_001407582.1, NM_001407583.1 and 23 more transcripts); c.4349A>C, p.Glu1450Ala (NM_001407587.1, NM_001407590.1, NM_001407591.1 and 21 more transcripts); c.4346A>C, p.Glu1449Ala (NM_001407627.1, NM_001407628.1, NM_001407629.1 and 5 more transcripts); and 51 more; short protein forms E1324A, E1361A, E1362A, E1363A, E1380A, E1383A, E1402A, E1408A.
Identifiers: ClinVar variation 3634639 (VCV003634639.2).
Genomic context (GRCh38, chr17:43,082,409, plus strand): 5'-AAGGGGAAGGAAAGAATTTTGCTTAAGATATCAGTGTTTGGCCAACAATACACACCTTTT[T>G]CTGATGTGCTTTGTTCTGGATTTCGCAGGTCCTCAAGGGCAGAAGAGTCACTTATGATGG-3'
Protein context (NP_009225.1, residues 1441-1461): DLRNPEQSTS[Glu1451Ala]KAVLTSQKSS

ClinVar aggregate classification (germline): Uncertain significance (1 of 4 stars; one submission).

Conditions:
Hereditary breast ovarian cancer syndrome. Also called: Hereditary breast and ovarian cancer syndrome; Hereditary breast and ovarian cancer syndrome (HBOC); BRCA1- and BRCA2-Associated Hereditary Breast and Ovarian Cancer; Hereditary breast and ovarian cancer; Breast and ovarian cancer; Hereditary breast and/or ovarian cancer syndrome. Identifiers: Orphanet 145, MedGen C0677776, MeSH D061325, MONDO:0003582. Disease mechanism: loss of function.

Submission:

Labcorp Genetics (formerly Invitae), Labcorp
Classification: Uncertain significance for Hereditary breast ovarian cancer syndrome. Last evaluated: 2025-01-28. Review status: criteria provided, single submitter. Criteria: Invitae Variant Classification Sherloc (09022015). Collection method: clinical testing. Allele origin: germline.
Comment: This sequence change replaces glutamic acid, which is acidic and polar, with alanine, which is neutral and non-polar, at codon 1451 of the BRCA1 protein (p.Glu1451Ala). This variant is not present in population databases (gnomAD no frequency). This variant has not been reported in the literature in individuals affected with BRCA1-related conditions. Invitae Evidence Modeling of protein sequence and biophysical properties (such as structural, functional, and spatial information, amino acid conservation, physicochemical variation, residue mobility, and thermodynamic stability) indicates that this missense variant is not expected to disrupt BRCA1 protein function with a negative predictive value of 80%. In summary, the available evidence is currently insufficient to determine the role of this variant in disease. Therefore, it has been classified as a Variant of Uncertain Significance.